The following is an entry in ClinVar:

ClinVar aggregate classification (germline): Uncertain significance (1 of 4 stars; one submission).

Submission:

Labcorp Genetics (formerly Invitae), Labcorp
Classification: Uncertain significance. Last evaluated: 2022-01-17. Review status: criteria provided, single submitter. Criteria: Invitae Variant Classification Sherloc (09022015). Collection method: clinical testing. Allele origin: germline.
Comment: In summary, the available evidence is currently insufficient to determine the role of this variant in disease. Therefore, it has been classified as a Variant of Uncertain Significance. Algorithms developed to predict the effect of missense changes on protein structure and function (SIFT, PolyPhen-2, Align-GVGD) all suggest that this variant is likely to be disruptive. This variant has not been reported in the literature in individuals affected with AP3B2-related conditions. This variant is not present in population databases (gnomAD no frequency). This sequence change replaces valine, which is neutral and non-polar, with glycine, which is neutral and non-polar, at codon 320 of the AP3B2 protein (p.Val320Gly).

NM_001278512.2(AP3B2):c.959T>G (p.Val320Gly)

Genes: AP3B2 (adaptor related protein complex 3 subunit beta 2; minus strand), CPEB1-AS1 (CPEB1 antisense RNA 1; plus strand). Cytogenetic location: 15q25.2.
Variant type: single nucleotide variant.
Coding change: c.959T>G on transcript NM_001278512.2 (MANE Select); coding-DNA position 959, T replaced by G.
Protein change: p.Val320Gly; replaces valine 320 with glycine.
Molecular consequence: missense variant.
Genome position (GRCh38, 1-based): chr15:82,680,568, A>C on the plus strand (T>G on the coding strand, the complement: AP3B2 is on the minus strand). VCF-style: chr15-82680568-A-C. GRCh37 (hg19) VCF-style: chr15-83349320-A-C.
Other names: c.863T>G, p.Val288Gly (NM_001278511.2); c.959T>G, p.Val320Gly (NM_004644.5); short protein forms V288G, V320G.
Identifiers: ClinVar variation 2087054 (VCV002087054.4), dbSNP rs2548711344, ClinGen allele CA393318922.
Genomic context (GRCh38, chr15:82,680,568, plus strand): 5'-ATGACGCCCACTTCCGCCTTGGGCGCCAGGTGGAAGTAGAGCTGCGCCACCGCCATCACC[A>C]CCGCGGCGCTGCGGCTCTGCAGCAGGGGTTTGGTGTTGCGCAGCAGCAGCCGGTGGTCGG-3'
Protein context (NP_001265441.1, residues 310-330): KPLLQSRSAA[Val320Gly]VMAVAQLYFH